The following is an entry in ClinVar:

ClinVar aggregate classification (germline): Likely benign. Review status: criteria provided, multiple submitters, no conflicts (2 of 4 stars). 4 submissions from 4 submitters: Likely benign (3). 1 of the submissions does not count toward it. Last evaluated 2025-07-01.

Conditions:
KIF26B-related disorder. Also called: KIF26B-related condition.

Allele frequency attached by ClinVar (database versions not stated): 1000 Genomes Project 0.00180; 1000 Genomes Project 30x 0.00219; ESP Exome Variant Server 0.00409; ExAC 0.00428; gnomAD exomes 0.00435; TOPMed 0.00437; gnomAD 0.00481.
gnomAD v4.1: 11,248 of 1,612,862 alleles (0.7%); highest among the groups gnomAD compares: Non-Finnish European, 0.84%; 46 homozygotes.

Submissions (4):

CeGaT Center for Human Genetics Tuebingen
Classification: Likely benign. Last evaluated: 2025-07-01. Review status: criteria provided, single submitter. Criteria: CeGaT Center For Human Genetics Tuebingen Variant Classification Criteria Version 2. Collection method: clinical testing. Allele origin: germline. Affected: yes. Observed: 1 variant allele.
Comment: KIF26B: BP4, BS2

Labcorp Genetics (formerly Invitae), Labcorp
Classification: Likely benign. Last evaluated: 2019-12-31. Review status: criteria provided, single submitter. Criteria: Invitae Variant Classification Sherloc (09022015). Collection method: clinical testing. Allele origin: germline.

Breakthrough Genomics
Classification: Likely benign. Review status: criteria provided, single submitter. Criteria: ACMG Guidelines, 2015. Collection method: not provided. Allele origin: germline. Inheritance: Unknown mechanism. Affected: yes.

PreventionGenetics, part of Exact Sciences
Classification: Likely benign for KIF26B-related condition. Last evaluated: 2019-05-08. Review status: no assertion criteria provided. Collection method: clinical testing. Allele origin: germline. Not counted in ClinVar's aggregate classification.
Comment: This variant is classified as likely benign based on ACMG/AMP sequence variant interpretation guidelines (Richards et al. 2015 PMID: 25741868, with internal and published modifications).

NM_018012.4(KIF26B):c.4228C>G (p.Pro1410Ala)

Gene: KIF26B (kinesin family member 26B; plus strand). Cytogenetic location: 1q44.
Variant type: single nucleotide variant.
Coding change: c.4228C>G on transcript NM_018012.4 (MANE Select); coding-DNA position 4228, C replaced by G.
Protein change: p.Pro1410Ala; replaces proline 1410 with alanine.
Molecular consequence: missense variant.
Genome position (GRCh38, 1-based): chr1:245,687,211, C>G. VCF-style: chr1-245687211-C-G. GRCh37 (hg19) VCF-style: chr1-245850513-C-G.
Other names: short protein forms P1410A.
Identifiers: ClinVar variation 787767 (VCV000787767.15), dbSNP rs113972282, ClinGen allele CA1488427.